The following is an entry in ClinVar:

ClinVar aggregate classification (germline): Uncertain significance (1 of 4 stars; one submission).

Submission:

GeneDx
Classification: Uncertain significance. Last evaluated: 2021-05-26. Review status: criteria provided, single submitter. Criteria: GeneDx Variant Classification Process June 2021. Collection method: clinical testing. Allele origin: germline. Affected: yes.
Comment: Not observed at significant frequency in large population cohorts (Lek et al., 2016); In-frame duplication of 1 amino acid in a non-repeat region; Has not been previously published as pathogenic or benign to our knowledge

NM_033629.6(TREX1):c.427_429dup (p.Leu143_Thr144insLeu)

Genes: ATRIP-TREX1 (ATRIP-TREX1 readthrough; plus strand), TREX1 (three prime repair exonuclease 1; plus strand), ATRIP (ATR interacting protein; plus strand). Cytogenetic location: 3p21.31.
Variant type: Duplication.
Coding change: c.427_429dup on transcript NM_033629.6 (MANE Select); coding-DNA positions 427 to 429, 3 bases duplicated (CTC; older notation c.427_429dupCTC).
Protein change: p.Leu143_Thr144insLeu.
Molecular consequence: inframe insertion. On other transcripts: non-coding transcript variant (1), 3 prime UTR variant (4).
Genome position (GRCh38, 1-based): chr3:48,467,082-48,467,084, CTC duplicated; duplicating any 3 consecutive bases within chr3:48,467,081-48,467,084 gives the same sequence; the c. name uses the placement nearest the transcript's 3' end. VCF-style (leftmost placement, unchanged base first): chr3-48467080-G-GCCT. GRCh37 (hg19) VCF-style: chr3-48508479-G-GCCT.
Other names: c.397_399dup, p.Leu133_Thr134insLeu (NM_007248.5); c.*1528_*1530dup (NM_001271022.2, NM_001271023.2, NM_032166.4 and 1 more transcripts).
Identifiers: ClinVar variation 1187990 (VCV001187990.2), dbSNP rs2107259142, ClinGen allele CA2499216810.